The following is an entry in ClinVar:

NM_004281.4(BAG3):c.259C>T (p.Pro87Ser)

Gene: BAG3 (BAG cochaperone 3; plus strand). Cytogenetic location: 10q26.11.
Variant type: single nucleotide variant.
Coding change: c.259C>T on transcript NM_004281.4 (MANE Select); coding-DNA position 259, C replaced by T.
Protein change: p.Pro87Ser; replaces proline 87 with serine.
Molecular consequence: missense variant.
Genome position (GRCh38, 1-based): chr10:119,669,929, C>T. VCF-style: chr10-119669929-C-T. GRCh37 (hg19) VCF-style: chr10-121429441-C-T.
Other names: short protein forms P87S.
Identifiers: ClinVar variation 2073229 (VCV002073229.4), dbSNP rs1190622666, ClinGen allele CA378294742.

ClinVar aggregate classification (germline): Uncertain significance (1 of 4 stars; one submission).

Conditions:
Myofibrillar myopathy 6. Identifiers: Orphanet 199340, MedGen C2751831, MONDO:0013061, OMIM 612954.
Dilated cardiomyopathy 1HH (CMD1HH). Identifiers: Orphanet 154, MedGen C3151293, MONDO:0013479, OMIM 613881.

Submission:

Labcorp Genetics (formerly Invitae), Labcorp
Classification: Uncertain significance for Dilated cardiomyopathy 1HH; Myofibrillar myopathy 6. Last evaluated: 2025-11-18. Review status: criteria provided, single submitter. Criteria: Invitae Variant Classification Sherloc (09022015). Collection method: clinical testing. Allele origin: germline.
Comment: This sequence change replaces proline, which is neutral and non-polar, with serine, which is neutral and polar, at codon 87 of the BAG3 protein (p.Pro87Ser). This variant is present in population databases (no rsID available, gnomAD 0.003%). This variant has not been reported in the literature in individuals affected with BAG3-related conditions. ClinVar contains an entry for this variant (Variation ID: 2073229). Invitae Evidence Modeling of protein sequence and biophysical properties (such as structural, functional, and spatial information, amino acid conservation, physicochemical variation, residue mobility, and thermodynamic stability) indicates that this missense variant is expected to disrupt BAG3 protein function with a positive predictive value of 80%. In summary, the available evidence is currently insufficient to determine the role of this variant in disease. Therefore, it has been classified as a Variant of Uncertain Significance.